The following is an entry in ClinVar:

ClinVar aggregate classification (germline): Likely benign. Review status: criteria provided, multiple submitters, no conflicts (2 of 4 stars). 2 submissions from 2 submitters: Likely benign (2). Last evaluated 2022-11-06.

Conditions:
Cortical dysplasia-focal epilepsy syndrome (PTHSL1). Also called: Pitt-Hopkins-like syndrome 1. Identifiers: Orphanet 163681, Orphanet 221150, MedGen C2750246, MONDO:0012400, OMIM 610042.

Submissions (2):

Labcorp Genetics (formerly Invitae), Labcorp
Classification: Likely benign for Cortical dysplasia-focal epilepsy syndrome. Last evaluated: 2022-11-06. Review status: criteria provided, single submitter. Criteria: Invitae Variant Classification Sherloc (09022015). Collection method: clinical testing. Allele origin: germline.

GeneDx
Classification: Likely benign. Last evaluated: 2018-01-29. Review status: criteria provided, single submitter. Criteria: GeneDx Variant Classification (06012015). Collection method: clinical testing. Allele origin: germline. Affected: yes.
Comment: This variant is considered likely benign or benign based on one or more of the following criteria: it is a conservative change, it occurs at a poorly conserved position in the protein, it is predicted to be benign by multiple in silico algorithms, and/or has population frequency not consistent with disease.

NM_014141.6(CNTNAP2):c.348C>G (p.Leu116=)

Gene: CNTNAP2 (contactin associated protein 2; plus strand). Cytogenetic location: 7q35.
Variant type: single nucleotide variant.
Coding change: c.348C>G on transcript NM_014141.6 (MANE Select); coding-DNA position 348, C replaced by G.
Protein change: p.Leu116=; no amino-acid change (leucine 116 retained).
Molecular consequence: synonymous variant.
Genome position (GRCh38, 1-based): chr7:146,839,850, C>G. VCF-style: chr7-146839850-C-G. GRCh37 (hg19) VCF-style: chr7-146536942-C-G.
Identifiers: ClinVar variation 515113 (VCV000515113.4), dbSNP rs1344490369, ClinGen allele CA458490832.
Genomic context (GRCh38, chr7:146,839,850, plus strand): 5'-TGCCATTGCAACCCAAGGAAGGTATAGCAGCTCAGATTGGGTGACCCAATACCGGATGCT[C>G]TACAGCGACACAGGGAGAAACTGGAAACCCTATCATCAAGATGGGAATATCTGGGTAAGT-3'
Protein context (NP_054860.1, residues 106-126): SSDWVTQYRM[Leu116=]YSDTGRNWKP